The following is an entry in ClinVar:

ClinVar aggregate classification (germline): Uncertain significance (1 of 4 stars; one submission).

Submission:

GeneDx
Classification: Uncertain significance. Last evaluated: 2024-10-07. Review status: criteria provided, single submitter. Criteria: GeneDx Variant Classification Process June 2021. Collection method: clinical testing. Allele origin: germline. Affected: yes.
Comment: Not observed at significant frequency in large population cohorts (gnomAD); In silico analysis supports that this missense variant has a deleterious effect on protein structure/function; Has not been previously published as pathogenic or benign to our knowledge

NM_006922.4(SCN3A):c.5197C>A (p.Pro1733Thr)

Gene: SCN3A (sodium voltage-gated channel alpha subunit 3; minus strand). Cytogenetic location: 2q24.3.
Variant type: single nucleotide variant.
Coding change: c.5197C>A on transcript NM_006922.4 (MANE Select); coding-DNA position 5197, C replaced by A.
Protein change: p.Pro1733Thr; replaces proline 1733 with threonine.
Molecular consequence: missense variant.
Genome position (GRCh38, 1-based): chr2:165,090,956, G>T on the plus strand (C>A on the coding strand, the complement: SCN3A is on the minus strand). VCF-style: chr2-165090956-G-T. GRCh37 (hg19) VCF-style: chr2-165947466-G-T.
Other names: c.5050C>A, p.Pro1684Thr (NM_001081676.2, NM_001081677.2); short protein forms P1684T, P1733T.
Identifiers: ClinVar variation 3776314 (VCV003776314.1).
Genomic context (GRCh38, chr2:165,090,956, plus strand): 5'-TGACAAAAAAGAAAATCCCAACAGATGGGTTCCCACAGTCTCCCTTAACTGAGCTGCCAG[G>T]GTGAATTGTGTCAGGGTCACAGTCGGGTGGTGCACTATTAAGAATAGGTGCTAGCAATCC-3'
Protein context (NP_008853.3, residues 1723-1743): PPDCDPDTIH[Pro1733Thr]GSSVKGDCGN